The following is an entry in ClinVar:

ClinVar aggregate classification (germline): Uncertain significance (1 of 4 stars; one submission).

Conditions:
Early-infantile DEE. Also called: Early infantile epileptic encephalopathy; Early infantile epileptic encephalopathy with suppression bursts; Ohtahara syndrome. Identifiers: Orphanet 1934, MedGen C0393706, MONDO:0800491.

Submission:

Labcorp Genetics (formerly Invitae), Labcorp
Classification: Uncertain significance for Early-infantile DEE. Last evaluated: 2017-03-31. Review status: criteria provided, single submitter. Criteria: Invitae Variant Classification Sherloc (09022015). Collection method: clinical testing. Allele origin: germline.
Comment: This sequence change replaces glycine with arginine at codon 624 of the KCNQ2 protein (p.Gly624Arg). The glycine residue is highly conserved and there is a moderate physicochemical difference between glycine and arginine. In summary, this variant is a novel missense change with uncertain impact on protein function. It has been classified as a Variant of Uncertain Significance. Algorithms developed to predict the effect of missense changes on protein structure and function do not agree on the potential impact of this missense change (SIFT: "Tolerated"; PolyPhen-2: "Probably Damaging"; Align-GVGD: "Class C0"). This variant is not present in population databases (ExAC no frequency) and has not been reported in the literature in individuals with a KCNQ2-related disease.

NM_172107.4(KCNQ2):c.1870G>C (p.Gly624Arg)

Gene: KCNQ2 (potassium voltage-gated channel subfamily Q member 2; minus strand). Cytogenetic location: 20q13.33.
Variant type: single nucleotide variant.
Coding change: c.1870G>C on transcript NM_172107.4 (MANE Select); coding-DNA position 1870, G replaced by C.
Protein change: p.Gly624Arg; replaces glycine 624 with arginine.
Molecular consequence: missense variant.
Genome position (GRCh38, 1-based): chr20:63,408,430, C>G on the plus strand (G>C on the coding strand, the complement: KCNQ2 is on the minus strand). VCF-style: chr20-63408430-C-G. GRCh37 (hg19) VCF-style: chr20-62039783-C-G.
Other names: c.1786G>C, p.Gly596Arg (NM_004518.6); c.1816G>C, p.Gly606Arg (NM_172106.3); c.1777G>C, p.Gly593Arg (NM_172108.5); short protein forms G624R, G593R, G596R, G606R.
Identifiers: ClinVar variation 405213 (VCV000405213.10), dbSNP rs771211103, ClinGen allele CA16616484.